The following is an entry in ClinVar:

ClinVar aggregate classification (germline): Benign. Review status: criteria provided, multiple submitters, no conflicts (2 of 4 stars). 4 submissions from 4 submitters: Benign (3). 1 of the submissions does not count toward it. Last evaluated 2025-12-28.

Conditions:
Microcytic anemia with liver iron overload. Also called: Anemia, hypochromic microcytic, with iron overload 1. Identifiers: Orphanet 83642, MedGen C3806153, MONDO:0008787, OMIM 206100.
SLC11A2-related disorder. Also called: SLC11A2-related condition.

Allele frequency attached by ClinVar (database versions not stated): ESP Exome Variant Server 0.00046; gnomAD exomes 0.00069 and 0.00264; gnomAD 0.00151 and 0.00155; 1000 Genomes Project 0.00160; 1000 Genomes Project 30x 0.00172; ExAC 0.00212; TOPMed 0.00268.

Submissions (4):

Labcorp Genetics (formerly Invitae), Labcorp
Classification: Benign. Last evaluated: 2025-12-28. Review status: criteria provided, single submitter. Criteria: Invitae Variant Classification Sherloc (09022015). Collection method: clinical testing. Allele origin: germline.

Illumina Laboratory Services, Illumina
Classification: Benign for Microcytic anemia with liver iron overload. Last evaluated: 2017-04-27. Review status: criteria provided, single submitter. Criteria: ICSL Variant Classification Criteria 13 December 2019. Collection method: clinical testing. Allele origin: germline.
Comment: This variant was observed as part of a predisposition screen in an ostensibly healthy population. A literature search was performed for the gene, cDNA change, and amino acid change (where applicable). No publications were found based on this search. Allele frequency data from public databases was too high to be consistent with this variant causing disease. Therefore, this variant is classified as benign.

Breakthrough Genomics
Classification: Benign. Review status: criteria provided, single submitter. Criteria: ACMG Guidelines, 2015. Collection method: not provided. Allele origin: germline. Inheritance: Autosomal recessive inheritance. Affected: yes.

PreventionGenetics, part of Exact Sciences
Classification: Likely benign for SLC11A2-related condition. Last evaluated: 2021-06-02. Review status: no assertion criteria provided. Collection method: clinical testing. Allele origin: germline. Not counted in ClinVar's aggregate classification.
Comment: This variant is classified as likely benign based on ACMG/AMP sequence variant interpretation guidelines (Richards et al. 2015 PMID: 25741868, with internal and published modifications).

NM_000617.3(SLC11A2):c.893T>C (p.Ile298Thr)

Gene: SLC11A2 (solute carrier family 11 member 2; minus strand). Cytogenetic location: 12q13.12.
Variant type: single nucleotide variant.
Coding change: c.893T>C on transcript NM_000617.3 (MANE Select); coding-DNA position 893, T replaced by C.
Protein change: p.Ile298Thr; replaces isoleucine 298 with threonine.
Molecular consequence: missense variant. On other transcripts: non-coding transcript variant (5).
Genome position (GRCh38, 1-based): chr12:50,995,726, A>G on the plus strand (T>C on the coding strand, the complement: SLC11A2 is on the minus strand). VCF-style: chr12-50995726-A-G. GRCh37 (hg19) VCF-style: chr12-51389509-A-G.
Other names: c.980T>C, p.Ile327Thr (NM_001174125.2, NM_001379446.1, NM_001379455.1); c.893T>C, p.Ile298Thr (NM_001174126.2, NM_001174127.2, NM_001174128.2 and 5 more transcripts); c.881T>C, p.Ile294Thr (NM_001174130.2, NM_001379448.1); c.782T>C, p.Ile261Thr (NM_001414747.1, NM_001414748.1); c.656T>C, p.Ile219Thr (NM_001414749.1, NM_001414750.1); short protein forms I294T, I327T, I298T, I219T, I261T.
Identifiers: ClinVar variation 882845 (VCV000882845.11), dbSNP rs17216051, ClinGen allele CA6566633.